The following is an entry in ClinVar:

ClinVar aggregate classification (germline): Uncertain significance (1 of 4 stars; one submission).

Conditions:
Joubert syndrome 32 (JBTS32). Identifiers: MedGen C4540342, MONDO:0033309, OMIM 617757.

Submission:

Victorian Clinical Genetics Services, Murdoch Childrens Research Institute
Classification: Uncertain significance for Joubert syndrome 32. Last evaluated: 2024-10-08. Review status: criteria provided, single submitter. Criteria: ACMG Guidelines, 2015. Collection method: clinical testing. Allele origin: germline. Inheritance: Autosomal dominant inheritance. Affected: yes.
Comment: Based on the classification scheme VCGS_Germline_v1.3.4, this variant is classified as VUS-3B. Following criteria are met: 0102 - Loss of function is a known mechanism of disease in this gene and is associated with basal cell nevus syndrome (MIM#109400), Joubert syndrome 32 (MIM#617757), medulloblastoma (MIM#155255), and congenital ocular motor apraxia (PMID: 33024317). (I) 0108 - This gene is associated with both recessive and dominant disease. Biallelic variants have been reported in individuals with Joubert syndrome (MIM#617757), while monoallelic variants are associated with basal cell nevus syndrome (MIM#109400), medulloblastoma (MIM#155255), and oculomotor apraxia (MONDO#0015368), SUFU-related. (I) 0112 - The condition associated with this gene has incomplete penetrance. Unaffected heterozygotes have been reported in at least two congenital ocular motor apraxia families (PMID: 33024317). (I) 0213 - In-frame insertion/deletion in a non-repetitive region that has high conservation. (SP) 0251 - This variant is heterozygous. (I) 0301 - Variant is absent from gnomAD (both v2 and v3). (SP) 0309 - An alternative amino acid change at the same position has been observed in gnomAD (v2) (2 heterozygotes, 0 homozygotes). (I) 0604 - Variant is not located in an established domain, motif, hotspot or informative constraint region. (I) 0705 - No comparable inframe deletion variants have previous evidence for pathogenicity. (I) 0807 - This variant has no previous evidence of pathogenicity. (I) 0905 - No published segregation evidence has been identified for this variant. (I) 1007 - No published functional evidence has been identified for this variant. (I) 1208 - Inheritance information for this variant is not currently available in this individual. (I) Legend: (SP) - Supporting pathogenic, (I) - Information, (SB) - Supporting benign

Literature cited by the submitters: PubMed 33024317.

NM_016169.4(SUFU):c.122GCC[2] (p.Arg43del)

Gene: SUFU (SUFU negative regulator of hedgehog signaling; plus strand). Cytogenetic location: 10q24.32.
Variant type: Microsatellite.
Coding change: c.122GCC[2] on transcript NM_016169.4 (MANE Select); two copies in a row of the 3-base unit GCC starting at c.122; the reference has three copies in a row; one copy, 3 bases deleted.
Protein change: p.Arg43del; deletes arginine 43.
Molecular consequence: inframe indel (on NM_016169.3).
Genome position (GRCh38, 1-based): chr10:102,504,280-102,504,282, GCC deleted; deleting any 3 consecutive bases within chr10:102,504,274-102,504,282 gives the same sequence; the position shown is the placement nearest the transcript's 3' end. VCF-style (leftmost placement, unchanged base first): chr10-102504273-TGCC-T. GRCh37 (hg19) VCF-style: chr10-104264030-TGCC-T.
Other names: c.122GCC[2], p.Arg43del (NM_001178133.2); c.122_124GCC[2], p.Arg43del (NM_016169.3); c.128_130delGCC (NM_016169.3); short protein forms R43del.
Identifiers: ClinVar variation 3377181 (VCV003377181.1).
Genomic context (GRCh38, chr10:102,504,273, plus strand): 5'-ACTGCCCCCCCGGCCTTCGCTTCGCTCTTTCCCCCGGGACTGCACGCCATCTACGGAGAG[TGCC>T]GCCGCCTTTACCCTGACCAGCCGAACCCGCTCCAGGTTACCGCTATCGTCAAGTACTGGT-3'